The following is an entry in ClinVar:

NM_020719.3(PRR12):c.2514G>C (p.Pro838=)

Gene: PRR12 (proline rich 12; plus strand). Cytogenetic location: 19q13.33.
Variant type: single nucleotide variant.
Coding change: c.2514G>C on transcript NM_020719.3 (MANE Select); coding-DNA position 2514, G replaced by C.
Protein change: p.Pro838=; no amino-acid change (proline 838 retained).
Molecular consequence: synonymous variant.
Genome position (GRCh38, 1-based): chr19:49,596,849, G>C. VCF-style: chr19-49596849-G-C. GRCh37 (hg19) VCF-style: chr19-50100106-G-C.
Identifiers: ClinVar variation 2650260 (VCV002650260.25), dbSNP rs776869714, ClinGen allele CA406874797.

ClinVar aggregate classification (germline): Likely benign. Review status: criteria provided, multiple submitters, no conflicts (2 of 4 stars). 2 submissions from 2 submitters: Likely benign (2). Last evaluated 2024-07-14.

Submissions (2):

Blueprint Genetics
Classification: Likely benign. Last evaluated: 2024-07-14. Review status: criteria provided, single submitter. Criteria: ACMG Guidelines, 2015. Collection method: clinical testing. Allele origin: germline.

CeGaT Center for Human Genetics Tuebingen
Classification: Likely benign. Last evaluated: 2022-11-01. Review status: criteria provided, single submitter. Criteria: CeGaT Center For Human Genetics Tuebingen Variant Classification Criteria Version 2. Collection method: clinical testing. Allele origin: germline. Affected: yes. Observed: 1 variant allele.
Comment: PRR12: BP4, BP7